The following is an entry in ClinVar:

NM_032119.4(ADGRV1):c.4040C>T (p.Ser1347Phe)

Gene: ADGRV1 (adhesion G protein-coupled receptor V1; plus strand). Cytogenetic location: 5q14.3.
Variant type: single nucleotide variant.
Coding change: c.4040C>T on transcript NM_032119.4 (MANE Select); coding-DNA position 4040, C replaced by T.
Protein change: p.Ser1347Phe; replaces serine 1347 with phenylalanine.
Molecular consequence: missense variant. On other transcripts: non-coding transcript variant (1).
Genome position (GRCh38, 1-based): chr5:90,653,614, C>T. VCF-style: chr5-90653614-C-T. GRCh37 (hg19) VCF-style: chr5-89949431-C-T.
Other names: c.4040C>T (NM_032119.3); short protein forms S1347F.
Identifiers: ClinVar variation 1010725 (VCV001010725.4), dbSNP rs371266358, ClinGen allele CA3339283.

ClinVar aggregate classification (germline): Conflicting classifications of pathogenicity. Review status: criteria provided, conflicting classifications (1 of 4 stars). 2 submissions from 2 submitters: Uncertain significance (1); Likely benign (1). Last evaluated 2022-02-10.

Conditions:
Inborn genetic diseases. Identifiers: MedGen C0950123, MeSH D030342.

Allele frequency attached by ClinVar (database versions not stated): TOPMed below 0.00001; gnomAD 0.00001; ExAC 0.00002; ESP Exome Variant Server 0.00008; gnomAD exomes 0.00001.

Submissions (2):

Ambry Genetics
Classification: Likely benign for Inborn genetic diseases. Last evaluated: 2022-02-10. Review status: criteria provided, single submitter. Criteria: Ambry Variant Classification Scheme 2023. Collection method: clinical testing. Allele origin: germline.

Labcorp Genetics (formerly Invitae), Labcorp
Classification: Uncertain significance. Last evaluated: 2021-09-09. Review status: criteria provided, single submitter. Criteria: Invitae Variant Classification Sherloc (09022015). Collection method: clinical testing. Allele origin: germline.
Comment: This sequence change replaces serine with phenylalanine at codon 1347 of the ADGRV1 protein (p.Ser1347Phe). The serine residue is weakly conserved and there is a large physicochemical difference between serine and phenylalanine. This variant is present in population databases (rs371266358, ExAC 0.003%). This variant has not been reported in the literature in individuals affected with ADGRV1-related conditions. Algorithms developed to predict the effect of missense changes on protein structure and function output the following: SIFT: "Tolerated"; PolyPhen-2: "Benign"; Align-GVGD: "Class C0". The phenylalanine amino acid residue is found in multiple mammalian species, which suggests that this missense change does not adversely affect protein function. In summary, the available evidence is currently insufficient to determine the role of this variant in disease. Therefore, it has been classified as a Variant of Uncertain Significance.